The following is an entry in ClinVar:

NM_019066.5(MAGEL2):c.934G>A (p.Ala312Thr)

Gene: MAGEL2 (MAGE family member L2; minus strand). Cytogenetic location: 15q11.2.
Variant type: single nucleotide variant.
Coding change: c.934G>A on transcript NM_019066.5 (MANE Select); coding-DNA position 934, G replaced by A.
Protein change: p.Ala312Thr; replaces alanine 312 with threonine.
Molecular consequence: missense variant.
Genome position (GRCh38, 1-based): chr15:23,646,809, C>T on the plus strand (G>A on the coding strand, the complement: MAGEL2 is on the minus strand). VCF-style: chr15-23646809-C-T. GRCh37 (hg19) VCF-style: chr15-23891956-C-T.
Other names: c.934G>A (NM_019066.4); short protein forms A312T.
Identifiers: ClinVar variation 1710360 (VCV001710360.4), dbSNP rs1020091499, ClinGen allele CA267660890.
Genomic context (GRCh38, chr15:23,646,809, plus strand): 5'-GCGGGGCCCAAGAAGCCATCGGCTGTGCAGGTGGGGCCATCGGCTGTGCAGGTGGGGCCG[C>T]CGGCTGTGCCATCGGTGCTCCTGAAGCTGGAGGCTGGGTCATCGGAGCTCTCGCACCTGG-3'
Protein context (NP_061939.3, residues 302-322): PASGAPMAQP[Ala312Thr]APPAQPMAPP

ClinVar aggregate classification (germline): Uncertain significance. Review status: criteria provided, multiple submitters, no conflicts (2 of 4 stars). 2 submissions from 2 submitters: Uncertain significance (2). Last evaluated 2026-08-28.

Conditions:
MAGEL2-related disorder. Also called: MAGEL2-related condition.

Allele frequency attached by ClinVar (database versions not stated): gnomAD 0.00001.
gnomAD v4.1: 4 of 1,535,772 alleles (0.00026%); highest among the groups gnomAD compares: African/African-American, 0.0027%; no homozygotes.

Submissions (2):

PreventionGenetics, part of Exact Sciences
Classification: Uncertain significance for MAGEL2-related condition. Last evaluated: 2026-08-28. Review status: criteria provided, single submitter. Criteria: ACMG Guidelines, 2015. Collection method: clinical testing. Allele origin: germline.
Comment: The MAGEL2 c.934G>A variant is predicted to result in the amino acid substitution p.Ala312Thr. To our knowledge, this variant has not been reported in the literature. This variant is reported in 0.015% of alleles in individuals of African descent in gnomAD. At this time, the clinical significance of this variant is uncertain due to the absence of conclusive functional and genetic evidence.

Greenwood Genetic Center Diagnostic Laboratories, Greenwood Genetic Center
Classification: Uncertain significance. Last evaluated: 2022-07-12. Review status: criteria provided, single submitter. Criteria: ACMG Guidelines, 2015. Collection method: clinical testing. Allele origin: germline. Affected: yes.
Comment: PM2